The following is an entry in ClinVar:

ClinVar aggregate classification (germline): Uncertain significance. Review status: criteria provided, multiple submitters, no conflicts (2 of 4 stars). 3 submissions from 3 submitters: Uncertain significance (3). Last evaluated 2024-08-09.

Conditions:
Cardiomyopathy (CMYO). Also called: Cardiomyopathies. Identifiers: Orphanet 167848, MedGen C0878544, MONDO:0004994, HP:0001638. Inheritance: Various modes of inheritance.
Cardiovascular phenotype. Identifiers: MedGen CN230736.

Allele frequency attached by ClinVar (database versions not stated): gnomAD exomes below 0.00001; ExAC 0.00001; gnomAD 0.00001; TOPMed 0.00001.

Submissions (3):

GeneDx
Classification: Uncertain significance. Last evaluated: 2024-08-09. Review status: criteria provided, single submitter. Criteria: GeneDx Variant Classification Process June 2021. Collection method: clinical testing. Allele origin: germline. Affected: yes.
Comment: Not observed at significant frequency in large population cohorts (gnomAD); Missense variant in a gene in which most reported pathogenic variants are truncating/loss of function; Has not been previously published as pathogenic or benign to our knowledge

Ambry Genetics
Classification: Uncertain significance for Cardiovascular phenotype. Last evaluated: 2020-09-01. Review status: criteria provided, single submitter. Criteria: Ambry Variant Classification Scheme 2023. Collection method: clinical testing. Allele origin: germline.
Comment: The p.V11342A variant (also known as c.34025T>C), located in coding exon 131 of the TTN gene, results from a T to C substitution at nucleotide position 34025. The valine at codon 11342 is replaced by alanine, an amino acid with similar properties. This amino acid position is not well conserved in available vertebrate species. In addition, this alteration is predicted to be tolerated by in silico analysis. Since supporting evidence is limited at this time, the clinical significance of this alteration remains unclear.

CHEO Genetics Diagnostic Laboratory, Children's Hospital of Eastern Ontario
Classification: Uncertain significance for Cardiomyopathy. Last evaluated: 2019-12-24. Review status: criteria provided, single submitter. Criteria: ACMG Guidelines, 2015. Collection method: clinical testing. Allele origin: germline.

NM_001267550.2(TTN):c.61220T>C (p.Val20407Ala)

Genes: TTN (titin; minus strand), TTN-AS1 (TTN antisense RNA 1; plus strand). Cytogenetic location: 2q31.2.
Variant type: single nucleotide variant.
Coding change: c.61220T>C on transcript NM_001267550.2 (MANE Select); coding-DNA position 61220, T replaced by C.
Protein change: p.Val20407Ala; replaces valine 20407 with alanine.
Molecular consequence: missense variant.
Genome position (GRCh38, 1-based): chr2:178,590,505, A>G on the plus strand (T>C on the coding strand, the complement: TTN is on the minus strand). VCF-style: chr2-178590505-A-G. GRCh37 (hg19) VCF-style: chr2-179455232-A-G.
Other names: c.56297T>C, p.Val18766Ala (NM_001256850.1); c.34025T>C, p.Val11342Ala (NM_003319.4); c.53516T>C, p.Val17839Ala (NM_133378.4); c.34400T>C, p.Val11467Ala (NM_133432.3); c.34601T>C, p.Val11534Ala (NM_133437.4); c.61220T>C (NM_001267550.1); short protein forms V11342A, V11467A, V11534A, V17839A, V18766A, V20407A.
Identifiers: ClinVar variation 1329170 (VCV001329170.5), dbSNP rs761797946, ClinGen allele CA1992392.